The following is an entry in ClinVar:

ClinVar aggregate classification (germline): Uncertain significance (1 of 4 stars; one submission).

Submission:

CeGaT Center for Human Genetics Tuebingen
Classification: Uncertain significance. Last evaluated: 2024-09-01. Review status: criteria provided, single submitter. Criteria: CeGaT Center For Human Genetics Tuebingen Variant Classification Criteria Version 2. Collection method: clinical testing. Allele origin: germline. Affected: yes. Observed: 1 variant allele.
Comment: TUBB4A: PM2, PP2, PP3

NM_006087.4(TUBB4A):c.79G>C (p.Glu27Gln)

Gene: TUBB4A (tubulin beta 4A class IVa; minus strand). Cytogenetic location: 19p13.3.
Variant type: single nucleotide variant.
Coding change: c.79G>C on transcript NM_006087.4 (MANE Select); coding-DNA position 79, G replaced by C.
Protein change: p.Glu27Gln; replaces glutamic acid 27 with glutamine.
Molecular consequence: missense variant. On other transcripts: intron variant (2).
Genome position (GRCh38, 1-based): chr19:6,501,602, C>G on the plus strand (G>C on the coding strand, the complement: TUBB4A is on the minus strand). VCF-style: chr19-6501602-C-G. GRCh37 (hg19) VCF-style: chr19-6501613-C-G.
Other names: c.232G>C, p.Glu78Gln (NM_001289123.2); c.214G>C, p.Glu72Gln (NM_001289127.2); c.79G>C, p.Glu27Gln (NM_001289129.2); c.-116-22G>C (NM_001289131.2, NM_001289130.2); short protein forms E27Q, E72Q, E78Q.
Identifiers: ClinVar variation 3389702 (VCV003389702.14).
Genomic context (GRCh38, chr19:6,501,602, plus strand): 5'-TCCTCTCCAGTTGCAGGTCACTGTCCCCATGGTATGTGCCTGTGGGGTCGATGCCATGTT[C>G]GTCACTGATAACCTCCCAAAACTAGAGAGAGAGGTGGTCGGAAGAGTTGAGAGAGGGGAA-3'
Protein context (NP_006078.2, residues 17-37): GAKFWEVISD[Glu27Gln]HGIDPTGTYH